The following is an entry in ClinVar:

NM_031220.4(PITPNM3):c.2078G>A (p.Ser693Asn)

Gene: PITPNM3 (PITPNM family member 3; minus strand). Cytogenetic location: 17p13.2.
Variant type: single nucleotide variant.
Coding change: c.2078G>A on transcript NM_031220.4 (MANE Select); coding-DNA position 2078, G replaced by A.
Protein change: p.Ser693Asn; replaces serine 693 with asparagine.
Molecular consequence: missense variant.
Genome position (GRCh38, 1-based): chr17:6,464,248, C>T on the plus strand (G>A on the coding strand, the complement: PITPNM3 is on the minus strand). VCF-style: chr17-6464248-C-T. GRCh37 (hg19) VCF-style: chr17-6367568-C-T.
Other names: c.1970G>A, p.Ser657Asn (NM_001165966.2); short protein forms S657N, S693N.
Identifiers: ClinVar variation 1366238 (VCV001366238.8), dbSNP rs759766610, ClinGen allele CA397402940.

ClinVar aggregate classification (germline): Uncertain significance (1 of 4 stars; one submission).

gnomAD v4.1: 27 of 1,614,186 alleles (0.0017%); highest among the groups gnomAD compares: Non-Finnish European, 0.0022%; no homozygotes.

Submission:

Labcorp Genetics (formerly Invitae), Labcorp
Classification: Uncertain significance. Last evaluated: 2021-04-02. Review status: criteria provided, single submitter. Criteria: Invitae Variant Classification Sherloc (09022015). Collection method: clinical testing. Allele origin: germline.
Comment: This sequence change replaces serine with asparagine at codon 693 of the PITPNM3 protein (p.Ser693Asn). The serine residue is moderately conserved and there is a small physicochemical difference between serine and asparagine. This variant is not present in population databases (ExAC no frequency). This variant has not been reported in the literature in individuals with PITPNM3-related conditions. Algorithms developed to predict the effect of missense changes on protein structure and function output the following: SIFT: "Tolerated"; PolyPhen-2: "Benign"; Align-GVGD: "Class C0". The asparagine amino acid residue is found in multiple mammalian species, suggesting that this missense change does not adversely affect protein function. These predictions have not been confirmed by published functional studies and their clinical significance is uncertain. In summary, the available evidence is currently insufficient to determine the role of this variant in disease. Therefore, it has been classified as a Variant of Uncertain Significance.